The following is an entry in ClinVar:

NM_153026.3(PRICKLE1):c.431G>A (p.Arg144His)

Gene: PRICKLE1 (prickle planar cell polarity protein 1; minus strand). Cytogenetic location: 12q12.
Variant type: single nucleotide variant.
Coding change: c.431G>A on transcript NM_153026.3 (MANE Select); coding-DNA position 431, G replaced by A.
Protein change: p.Arg144His; replaces arginine 144 with histidine.
Molecular consequence: missense variant.
Genome position (GRCh38, 1-based): chr12:42,468,783, C>T on the plus strand (G>A on the coding strand, the complement: PRICKLE1 is on the minus strand). VCF-style: chr12-42468783-C-T. GRCh37 (hg19) VCF-style: chr12-42862585-C-T.
Other names: p.R144H:CGT>CAT; c.431G>A, p.Arg144His (NM_001144881.2, NM_001144882.2, NM_001144883.2); short protein forms R144H.
Identifiers: ClinVar variation 30729 (VCV000030729.12), dbSNP rs281865563, ClinGen allele CA316976.

ClinVar aggregate classification (germline): Uncertain significance. Review status: criteria provided, multiple submitters, no conflicts (2 of 4 stars). 6 submissions from 6 submitters: Uncertain significance (4). 2 of the submissions do not count toward it. Last evaluated 2025-09-08.

Conditions:
Epilepsy, progressive myoclonic, 1B. Also called: PME. Identifiers: Orphanet 308, MedGen C2676254, MONDO:0012904, OMIM 612437.

Allele frequency attached by ClinVar (database versions not stated): gnomAD exomes 0.00001; ExAC 0.00002; TOPMed 0.00002; gnomAD 0.00004.
gnomAD v4.1: 64 of 1,614,010 alleles (0.004%); highest among the groups gnomAD compares: Middle Eastern, 0.016%; no homozygotes.

Submissions (6):

Labcorp Genetics (formerly Invitae), Labcorp
Classification: Uncertain significance for Epilepsy, progressive myoclonic, 1B. Last evaluated: 2025-09-08. Review status: criteria provided, single submitter. Criteria: Invitae Variant Classification Sherloc (09022015). Collection method: clinical testing. Allele origin: germline.
Comment: This sequence change replaces arginine, which is basic and polar, with histidine, which is basic and polar, at codon 144 of the PRICKLE1 protein (p.Arg144His). This variant is present in population databases (rs281865563, gnomAD 0.003%). This missense change has been observed in individual(s) with PRICKLE1-related conditions (PMID: 21276947). ClinVar contains an entry for this variant (Variation ID: 30729). Invitae Evidence Modeling of protein sequence and biophysical properties (such as structural, functional, and spatial information, amino acid conservation, physicochemical variation, residue mobility, and thermodynamic stability) indicates that this missense variant is expected to disrupt PRICKLE1 protein function with a positive predictive value of 80%. In summary, the available evidence is currently insufficient to determine the role of this variant in disease. Therefore, it has been classified as a Variant of Uncertain Significance.

Women's Health and Genetics/Laboratory Corporation of America, LabCorp
Classification: Uncertain significance. Last evaluated: 2025-06-19. Review status: criteria provided, single submitter. Criteria: LabCorp Variant Classification Summary - May 2015. Collection method: clinical testing. Allele origin: germline.
Comment: Variant summary: PRICKLE1 c.431G>A (p.Arg144His) results in a non-conservative amino acid change in the encoded protein sequence. Algorithms developed to predict the effect of missense changes on protein structure and function all suggest that this variant is likely to be disruptive. The variant allele was found at a frequency of 1.2e-05 in 251384 control chromosomes. The available data on variant occurrences in the general population are insufficient to allow any conclusion about variant significance. To our knowledge, no occurrence of c.431G>A in individuals affected with recessive Epilepsy, progressive myoclonic, 1B and no experimental evidence demonstrating its impact on protein function have been reported. The following publications have been ascertained in the context of this evaluation (PMID: 21276947, 28731148, 34597683, 30833958). ClinVar contains an entry for this variant (Variation ID: 30729). Based on the evidence outlined above, the variant was classified as uncertain significance.

Ambry Genetics
Classification: Uncertain significance. Last evaluated: 2023-11-03. Review status: criteria provided, single submitter. Criteria: Ambry Variant Classification Scheme 2023. Collection method: clinical testing. Allele origin: germline.
Comment: Does not currently meet published gene-disease clinical validity criteria Based on insufficient or conflicting evidence, the clinical significance of this alteration remains unclear.

GeneDx
Classification: Uncertain significance. Last evaluated: 2012-10-03. Review status: criteria provided, single submitter. Criteria: GeneDx Variant Classification (06012015). Collection method: clinical testing. Allele origin: germline. Affected: yes.
Comment: p.Arg144His (CGT>CAT):c.431 G>A in exon 5 of the PRICKLE1 gene (NM_153026.2). The Arg144His missense change was previously identified in a patient with myoclonic epilepsy and intellectual disability who did not have a second detectable mutation in the PRICKLE1 gene (Tao et al., 2011). The NHLBI ESP Exome Variant Project has not identified Arg144His in approximately 6,500 individuals of European or African American ethnicity, indicating that it is not a common benign variant in these populations. The amino acid substitution is conservative, as both Arginine and Histidine are both positively charged amino acids. Arg144His alters a highly conserved position in the first LIM zinc-binding domain of the protein, and multiple in silico algorithms predict Arg144His may be damaging to protein structure/function. Therefore, currently available evidence suggests that Arg144His may be associated with myoclonic epilepsy, although the possibility that it is a benign variant cannot be completely excluded. The variant is found in EPILEPSY panel(s).

OMIM
Classification: Pathogenic for EPILEPSY, PROGRESSIVE MYOCLONIC, 1B. Last evaluated: 2011-02-11. Review status: no assertion criteria provided. Collection method: literature only. Allele origin: germline. Not counted in ClinVar's aggregate classification.

GeneReviews
No classification provided. Condition: Epilepsy, progressive myoclonic, 1B. Review status: no classification provided. Collection method: literature only. Allele origin: unknown. Not counted in ClinVar's aggregate classification.

Literature cited by the submitters: PubMed 21276947 (cited by 3 submitters); PubMed 30833958 (cited by Women's Health and Genetics/Laboratory Corporation of America, LabCorp); PubMed 28731148 (cited by Women's Health and Genetics/Laboratory Corporation of America, LabCorp); PubMed 34597683 (cited by Women's Health and Genetics/Laboratory Corporation of America, LabCorp); PubMed 28106320 (cited by Ambry Genetics); PubMed 20301774 (cited by GeneReviews); NCBI Bookshelf NBK9674 (cited by GeneReviews).